The following is an entry in ClinVar:

ClinVar aggregate classification (germline): Uncertain significance. Review status: criteria provided, multiple submitters, no conflicts (2 of 4 stars). 3 submissions from 3 submitters: Uncertain significance (3). Last evaluated 2025-10-29.

Conditions:
Neuronopathy, distal hereditary motor, type 7A. Also called: Neuronopathy, distal hereditary motor, type viia; HARPER-YOUNG MYOPATHY; HMN VIIA; NEURONOPATHY, DISTAL HEREDITARY MOTOR, HARDING TYPE VIIA; NEUROPATHY, DISTAL HEREDITARY MOTOR, HARDING TYPE VIIA; Neuronopathy, distal hereditary motor, autosomal dominant 7. Identifiers: Orphanet 139589, MedGen C1834703, MONDO:0008024, OMIM 158580.
Congenital myasthenic syndrome 20. Also called: Myasthenic syndrome, congenital, 20, presynaptic. Identifiers: MedGen C4310694, MONDO:0014939, OMIM 617143.
Inborn genetic diseases. Identifiers: MedGen C0950123, MeSH D030342.

Allele frequency attached by ClinVar (database versions not stated): TOPMed 0.00001; ExAC 0.00006; gnomAD 0.00009; gnomAD exomes 0.00010.
gnomAD v4.1: 79 of 1,613,748 alleles (0.0049%); highest among the groups gnomAD compares: Non-Finnish European, 0.0016%; no homozygotes.

Submissions (3):

Ambry Genetics
Classification: Uncertain significance for Inborn genetic diseases. Last evaluated: 2025-10-29. Review status: criteria provided, single submitter. Criteria: Ambry Variant Classification Scheme 2023. Collection method: clinical testing. Allele origin: germline.

Labcorp Genetics (formerly Invitae), Labcorp
Classification: Uncertain significance for Neuronopathy, distal hereditary motor, type 7A; Congenital myasthenic syndrome 20. Last evaluated: 2024-04-16. Review status: criteria provided, single submitter. Criteria: Invitae Variant Classification Sherloc (09022015). Collection method: clinical testing. Allele origin: germline.
Comment: This sequence change replaces valine, which is neutral and non-polar, with isoleucine, which is neutral and non-polar, at codon 485 of the SLC5A7 protein (p.Val485Ile). This variant is present in population databases (rs754211137, gnomAD 0.08%). This variant has not been reported in the literature in individuals affected with SLC5A7-related conditions. ClinVar contains an entry for this variant (Variation ID: 532813). Advanced modeling of protein sequence and biophysical properties (such as structural, functional, and spatial information, amino acid conservation, physicochemical variation, residue mobility, and thermodynamic stability) performed at Invitae indicates that this missense variant is not expected to disrupt SLC5A7 protein function with a negative predictive value of 80%. In summary, the available evidence is currently insufficient to determine the role of this variant in disease. Therefore, it has been classified as a Variant of Uncertain Significance.

Mayo Clinic Laboratories, Mayo Clinic
Classification: Uncertain significance. Last evaluated: 2019-12-12. Review status: criteria provided, single submitter. Criteria: ACMG Guidelines, 2015. Collection method: clinical testing. Allele origin: germline. Observed: 1 variant allele.

NM_021815.5(SLC5A7):c.1453G>A (p.Val485Ile)

Gene: SLC5A7 (solute carrier family 5 member 7; plus strand). Cytogenetic location: 2q12.3.
Variant type: single nucleotide variant.
Coding change: c.1453G>A on transcript NM_021815.5 (MANE Select); coding-DNA position 1453, G replaced by A.
Protein change: p.Val485Ile; replaces valine 485 with isoleucine.
Molecular consequence: missense variant.
Genome position (GRCh38, 1-based): chr2:108,010,571, G>A. VCF-style: chr2-108010571-G-A. GRCh37 (hg19) VCF-style: chr2-108627027-G-A.
Other names: c.1453G>A, p.Val485Ile (NM_001305005.3); c.1138G>A, p.Val380Ile (NM_001305006.3); c.712G>A, p.Val238Ile (NM_001305007.3); short protein forms V485I, V238I, V380I.
Identifiers: ClinVar variation 532813 (VCV000532813.11), dbSNP rs754211137, ClinGen allele CA1819179.